The following is an entry in ClinVar:

NC_012920.1(MT-CYB):m.15222A>G

Gene: MT-CYB (mitochondrially encoded cytochrome b; plus strand).
Variant type: single nucleotide variant.
Genome position: chrM-15222-A-G.
Identifiers: ClinVar variation 693845 (VCV000693845.1), dbSNP rs1603225158, ClinGen allele CA913173280.

ClinVar aggregate classification (germline): Uncertain significance (1 of 4 stars; one submission).

Conditions:
Leigh syndrome (NULS). Also called: Leigh's necrotizing encephalopathy; Leigh's disease; Leigh's syndrome; LEIGH SYNDROME, NUCLEAR; Leigh Syndrome (mtDNA deletion); Leigh Disease. Identifiers: Orphanet 506, MedGen C2931891, MONDO:0009723, OMIM 256000.

Submission:

Wong Mito Lab, Molecular and Human Genetics, Baylor College of Medicine
Classification: Uncertain significance for Leigh syndrome. Last evaluated: 2019-10-17. Review status: criteria provided, single submitter. Criteria: Modified ACMG Guidelines (Unpublished). Collection method: clinical testing. Allele origin: germline.
Comment: The NC_012920.1:m.15222A>G (YP_003024038.1:p.Asp159Gly) variant in MTCYB gene is interpretated to be a Uncertain Significance variant based on the modified ACMG guidelines (unpublished). This variant meets the following evidence codes: PP4